The following is an entry in ClinVar:

ClinVar aggregate classification (germline): Uncertain significance (1 of 4 stars; one submission).

Submission:

Labcorp Genetics (formerly Invitae), Labcorp
Classification: Uncertain significance. Last evaluated: 2021-12-12. Review status: criteria provided, single submitter. Criteria: Invitae Variant Classification Sherloc (09022015). Collection method: clinical testing. Allele origin: germline.
Comment: In summary, the available evidence is currently insufficient to determine the role of this variant in disease. Therefore, it has been classified as a Variant of Uncertain Significance. This variant has not been reported in the literature in individuals affected with MCM4-related conditions. This variant is a gross deletion of the genomic region encompassing exon(s) 1-6 of the MCM4 gene, which includes the initiator codon. This deletion extends beyond the assayed region for this gene and therefore may encompass additional genes. It is expected to result in an absent or disrupted protein product. However, the current clinical and genetic evidence is not sufficient to establish whether loss-of-function variants in MCM4 cause disease.

NC_000008.10:g.(?_48873705)_(48875620_?)del

Gene: MCM4 (minichromosome maintenance complex component 4; plus strand). Cytogenetic location: 8q11.21.
Variant type: Deletion.
Identifiers: ClinVar variation 2425443 (VCV002425443.4).